The following is an entry in ClinVar:

NM_198859.4(PRICKLE2):c.2381C>A (p.Pro794His)

Genes: PRICKLE2 (prickle planar cell polarity protein 2; minus strand), PRICKLE2-AS1 (PRICKLE2 antisense RNA 1; plus strand). Cytogenetic location: 3p14.1.
Variant type: single nucleotide variant.
Coding change: c.2381C>A on transcript NM_198859.4 (MANE Select); coding-DNA position 2381, C replaced by A.
Protein change: p.Pro794His; replaces proline 794 with histidine.
Molecular consequence: missense variant. On other transcripts: non-coding transcript variant (1).
Genome position (GRCh38, 1-based): chr3:64,099,205, G>T on the plus strand (C>A on the coding strand, the complement: PRICKLE2 is on the minus strand). VCF-style: chr3-64099205-G-T. GRCh37 (hg19) VCF-style: chr3-64084881-G-T.
Other names: c.2381C>A, p.Pro794His (NM_001370528.1); short protein forms P794H.
Identifiers: ClinVar variation 2015406 (VCV002015406.4), dbSNP rs2471100475, ClinGen allele CA353425895.

ClinVar aggregate classification (germline): Uncertain significance (1 of 4 stars; one submission).

Conditions:
Progressive myoclonic epilepsy type 5. Identifiers: Orphanet 402082, MedGen C5190799.

Allele frequency attached by ClinVar (database versions not stated): gnomAD exomes below 0.00001.
gnomAD v4.1: 1 of 1,614,208 alleles (0.000062%); highest among the groups gnomAD compares: Non-Finnish European, 0.000085%; no homozygotes.

Submission:

Labcorp Genetics (formerly Invitae), Labcorp
Classification: Uncertain significance for Progressive myoclonic epilepsy type 5. Last evaluated: 2022-07-09. Review status: criteria provided, single submitter. Criteria: Invitae Variant Classification Sherloc (09022015). Collection method: clinical testing. Allele origin: germline.
Comment: This sequence change replaces proline, which is neutral and non-polar, with histidine, which is basic and polar, at codon 794 of the PRICKLE2 protein (p.Pro794His). This variant is not present in population databases (gnomAD no frequency). This variant has not been reported in the literature in individuals affected with PRICKLE2-related conditions. Algorithms developed to predict the effect of missense changes on protein structure and function (SIFT, PolyPhen-2, Align-GVGD) all suggest that this variant is likely to be disruptive. In summary, the available evidence is currently insufficient to determine the role of this variant in disease. Therefore, it has been classified as a Variant of Uncertain Significance.